The following is an entry in ClinVar:

ClinVar aggregate classification (germline): Uncertain significance (1 of 4 stars; one submission).

gnomAD v4.1: 12 of 1,611,926 alleles (0.00074%); highest among the groups gnomAD compares: Admixed American, 0.0017%; no homozygotes.

Submissions (2):

Labcorp Genetics (formerly Invitae), Labcorp
Classification: Uncertain significance. Last evaluated: 2025-12-11. Review status: criteria provided, single submitter. Criteria: Invitae Variant Classification Sherloc (09022015). Collection method: clinical testing. Allele origin: germline.
Comment: This sequence change falls in intron 31 of the FBN3 gene. It does not directly change the encoded amino acid sequence of the FBN3 protein. It affects a nucleotide within the consensus splice site. This variant is present in population databases (no rsID available, gnomAD 0.003%). This variant has not been reported in the literature in individuals affected with FBN3-related conditions. Variants that disrupt the consensus splice site are a relatively common cause of aberrant splicing (PMID: 17576681, 9536098). Algorithms developed to predict the effect of sequence changes on RNA splicing suggest that this variant is not likely to affect RNA splicing. In summary, the available evidence is currently insufficient to determine the role of this variant in disease. Therefore, it has been classified as a Variant of Uncertain Significance.

Dr. Peter K. Rogan Lab, Western University
No classification provided (evidence only). Condition: Ovarian serous cystadenocarcinoma. Review status: no classification provided. Collection method: in vitro. Allele origin: not applicable. Functional consequence: retained intron. Not counted in ClinVar's aggregate classification.

Literature cited by the submitters: PubMed 17576681 (cited by Labcorp Genetics (formerly Invitae), Labcorp); PubMed 9536098 (cited by Labcorp Genetics (formerly Invitae), Labcorp).

NM_032447.5(FBN3):c.3962-3C>T

Gene: FBN3 (fibrillin 3; minus strand). Cytogenetic location: 19p13.2.
Variant type: single nucleotide variant.
Coding change: c.3962-3C>T on transcript NM_032447.5 (MANE Select); 3 bases into the intron before coding-DNA position 3962, C replaced by T.
Molecular consequence: intron variant.
Genome position (GRCh38, 1-based): chr19:8,111,773, G>A on the plus strand (C>T on the coding strand, the complement: FBN3 is on the minus strand). VCF-style: chr19-8111773-G-A. GRCh37 (hg19) VCF-style: chr19-8176657-G-A.
Other names: NC_000019.9:g.8176657G>A; c.3962-3C>T (NM_001321431.2).
Identifiers: ClinVar variation 4447044 (VCV004447044.2).